The following is an entry in ClinVar:

ClinVar aggregate classification (germline): Uncertain significance. Review status: criteria provided, multiple submitters, no conflicts (2 of 4 stars). 3 submissions from 3 submitters: Uncertain significance (3). Last evaluated 2025-03-17.

Conditions:
Cerebral palsy, spastic quadriplegic, 2 (CPSQ2). Identifiers: Orphanet 210141, MedGen C2752061, MONDO:0013033, OMIM 612900.

Allele frequency attached by ClinVar (database versions not stated): ESP Exome Variant Server 0.00023; gnomAD 0.00024 and 0.00025; gnomAD exomes 0.00027 and 0.00038; TOPMed 0.00027; 1000 Genomes Project 30x 0.00031; ExAC 0.00031; 1000 Genomes Project 0.00040.
gnomAD v4.1: 575 of 1,608,944 alleles (0.036%); highest among the groups gnomAD compares: Non-Finnish European, 0.044%; no homozygotes.

Submissions (3):

Labcorp Genetics (formerly Invitae), Labcorp
Classification: Uncertain significance. Last evaluated: 2025-03-17. Review status: criteria provided, single submitter. Criteria: Invitae Variant Classification Sherloc (09022015). Collection method: clinical testing. Allele origin: germline.
Comment: This sequence change replaces cysteine, which is neutral and slightly polar, with serine, which is neutral and polar, at codon 781 of the KANK1 protein (p.Cys781Ser). This variant is present in population databases (rs143675911, gnomAD 0.05%), and has an allele count higher than expected for a pathogenic variant. This variant has not been reported in the literature in individuals affected with KANK1-related conditions. ClinVar contains an entry for this variant (Variation ID: 1353694). Invitae Evidence Modeling of protein sequence and biophysical properties (such as structural, functional, and spatial information, amino acid conservation, physicochemical variation, residue mobility, and thermodynamic stability) has been performed for this missense variant. However, the output from this modeling did not meet the statistical confidence thresholds required to predict the impact of this variant on KANK1 protein function. In summary, the available evidence is currently insufficient to determine the role of this variant in disease. Therefore, it has been classified as a Variant of Uncertain Significance.

Ambry Genetics
Classification: Uncertain significance. Last evaluated: 2022-11-07. Review status: criteria provided, single submitter. Criteria: Ambry Variant Classification Scheme 2023. Collection method: clinical testing. Allele origin: germline.

Fulgent Genetics
Classification: Uncertain significance for Cerebral palsy, spastic quadriplegic, 2. Last evaluated: 2022-01-18. Review status: criteria provided, single submitter. Criteria: ACMG Guidelines, 2015. Collection method: clinical testing. Allele origin: unknown.

NM_015158.5(KANK1):c.2342G>C (p.Cys781Ser)

Gene: KANK1 (KN motif and ankyrin repeat domains 1; plus strand). Cytogenetic location: 9p24.3.
Variant type: single nucleotide variant.
Coding change: c.2342G>C on transcript NM_015158.5 (MANE Select); coding-DNA position 2342, G replaced by C.
Protein change: p.Cys781Ser; replaces cysteine 781 with serine.
Molecular consequence: missense variant. On other transcripts: non-coding transcript variant (1).
Genome position (GRCh38, 1-based): chr9:713,108, G>C. VCF-style: chr9-713108-G-C. GRCh37 (hg19) VCF-style: chr9-713108-G-C.
Other names: c.2342G>C, p.Cys781Ser (NM_001256876.3, NM_001256877.3, NM_001354331.2 and 2 more transcripts); c.1868G>C, p.Cys623Ser (NM_001354333.2, NM_001354335.2, NM_001354336.2 and 9 more transcripts); c.2342G>C (NM_015158.2); short protein forms C781S, C623S.
Identifiers: ClinVar variation 1353694 (VCV001353694.8), dbSNP rs143675911, ClinGen allele CA4960489.